The following is an entry in ClinVar:

ClinVar aggregate classification (germline): Uncertain significance. Review status: criteria provided, multiple submitters, no conflicts (2 of 4 stars). 2 submissions from 2 submitters: Uncertain significance (2). Last evaluated 2025-01-09.

Conditions:
Hereditary cancer-predisposing syndrome. Also called: Neoplastic Syndromes, Hereditary; Tumor predisposition; Hereditary Cancer Syndrome; Hereditary neoplastic syndrome. Identifiers: Orphanet 140162, MedGen C0027672, MeSH D009386, MONDO:0015356.
Familial adenomatous polyposis 1 (FAP1). Also called: POLYPOSIS, ADENOMATOUS INTESTINAL; FAMILIAL ADENOMATOUS POLYPOSIS 1, ATTENUATED. Identifiers: MedGen C2713442, MONDO:0021056, OMIM 175100. Disease mechanism: loss of function.

Allele frequency attached by ClinVar (database versions not stated): gnomAD exomes below 0.00001; TOPMed 0.00001.
gnomAD v4.1: 2 of 1,614,046 alleles (0.00012%); highest among the groups gnomAD compares: African/African-American, 0.0027%; no homozygotes.

Submissions (2):

Ambry Genetics
Classification: Uncertain significance for Hereditary cancer-predisposing syndrome. Last evaluated: 2025-01-09. Review status: criteria provided, single submitter. Criteria: Ambry Variant Classification Scheme 2023. Collection method: clinical testing. Allele origin: germline.
Comment: The p.Q2265E variant (also known as c.6793C>G), located in coding exon 15 of the APC gene, results from a C to G substitution at nucleotide position 6793. The glutamine at codon 2265 is replaced by glutamic acid, an amino acid with highly similar properties. This amino acid position is not well conserved in available vertebrate species. In addition, in silico predictors for this gene do not accurately predict pathogenicity. Missense alterations in APC are not a common cause of disease (Spier I et al. Genet Med. 2024 Feb;26(2):100992). Based on the available evidence, the clinical significance of this variant remains unclear.

Labcorp Genetics (formerly Invitae), Labcorp
Classification: Uncertain significance for Familial adenomatous polyposis 1. Last evaluated: 2024-04-15. Review status: criteria provided, single submitter. Criteria: Invitae Variant Classification Sherloc (09022015). Collection method: clinical testing. Allele origin: germline.
Comment: This sequence change replaces glutamine, which is neutral and polar, with glutamic acid, which is acidic and polar, at codon 2265 of the APC protein (p.Gln2265Glu). This variant is not present in population databases (gnomAD no frequency). This variant has not been reported in the literature in individuals affected with APC-related conditions. ClinVar contains an entry for this variant (Variation ID: 651624). Advanced modeling of protein sequence and biophysical properties (such as structural, functional, and spatial information, amino acid conservation, physicochemical variation, residue mobility, and thermodynamic stability) performed at Invitae indicates that this missense variant is not expected to disrupt APC protein function with a negative predictive value of 95%. In summary, the available evidence is currently insufficient to determine the role of this variant in disease. Therefore, it has been classified as a Variant of Uncertain Significance.

NM_000038.6(APC):c.6793C>G (p.Gln2265Glu)

Gene: APC (APC regulator of Wnt signaling pathway; plus strand). Cytogenetic location: 5q22.2.
Variant type: single nucleotide variant.
Coding change: c.6793C>G on transcript NM_000038.6 (MANE Select); coding-DNA position 6793, C replaced by G.
Protein change: p.Gln2265Glu; replaces glutamine 2265 with glutamic acid.
Molecular consequence: missense variant.
Genome position (GRCh38, 1-based): chr5:112,842,387, C>G. VCF-style: chr5-112842387-C-G. GRCh37 (hg19) VCF-style: chr5-112178084-C-G.
Other names: c.6793C>G, p.Gln2265Glu (NM_001127510.3, NM_001354895.2); c.6739C>G, p.Gln2247Glu (NM_001127511.3); c.6847C>G, p.Gln2283Glu (NM_001354896.2); c.6823C>G, p.Gln2275Glu (NM_001354897.2); c.6718C>G, p.Gln2240Glu (NM_001354898.2); c.6709C>G, p.Gln2237Glu (NM_001354899.2); c.6670C>G, p.Gln2224Glu (NM_001354900.2); c.6616C>G, p.Gln2206Glu (NM_001354901.2); and 5 more; short protein forms Q2105E, Q2139E, Q2224E, Q2265E, Q2275E, Q1982E, Q2174E, Q2206E.
Identifiers: ClinVar variation 651624 (VCV000651624.15), dbSNP rs1580674845, ClinGen allele CA16036167.